The following is an entry in ClinVar:

NM_015450.3(POT1):c.323G>C (p.Gly108Ala)

Gene: POT1 (protection of telomeres 1; minus strand). Cytogenetic location: 7q31.33.
Variant type: single nucleotide variant.
Coding change: c.323G>C on transcript NM_015450.3 (MANE Select); coding-DNA position 323, G replaced by C.
Protein change: p.Gly108Ala; replaces glycine 108 with alanine.
Molecular consequence: missense variant. On other transcripts: 5 prime UTR variant (1), non-coding transcript variant (3).
Genome position (GRCh38, 1-based): chr7:124,863,573, C>G on the plus strand (G>C on the coding strand, the complement: POT1 is on the minus strand). VCF-style: chr7-124863573-C-G. GRCh37 (hg19) VCF-style: chr7-124503627-C-G.
Other names: c.-71G>C (NM_001042594.2); short protein forms G108A.
Identifiers: ClinVar variation 571498 (VCV000571498.15), dbSNP rs1290433563, ClinGen allele CA369060138.
Genomic context (GRCh38, chr7:124,863,573, plus strand): 5'-TCAGTAGTGAAGTTAAAATACTTGCTTGAAGTGCGAGGTATGATAGGGGCTCCCAAAGTT[C>G]CCTCAAACGTCAAAGATGCAAAGCCAGAGCTGGTGATACCCTGAGTCTCCTTTTTATATA-3'
Protein context (NP_056265.2, residues 98-118): SSGFASLTFE[Gly108Ala]TLGAPIIPRT

ClinVar aggregate classification (germline): Uncertain significance. Review status: criteria provided, multiple submitters, no conflicts (2 of 4 stars). 3 submissions from 3 submitters: Uncertain significance (3). Last evaluated 2025-09-24.

Conditions:
Tumor predisposition syndrome 3 (TPDS3). Also called: Melanoma, cutaneous malignant, susceptibility to, 10; LONG TELOMERE SYNDROME, POT1-RELATED; POT1 Tumor Predisposition; Glioma susceptibility 9. Identifiers: Orphanet 618, MedGen C4014476, MONDO:0014368, OMIM 615848.
Hereditary cancer-predisposing syndrome. Also called: Tumor predisposition; Neoplastic Syndromes, Hereditary; Hereditary neoplastic syndrome; Hereditary Cancer Syndrome. Identifiers: Orphanet 140162, MedGen C0027672, MeSH D009386, MONDO:0015356.

Allele frequency attached by ClinVar (database versions not stated): gnomAD 0.00001; TOPMed 0.00001.
gnomAD v4.1: 2 of 1,613,680 alleles (0.00012%); highest among the groups gnomAD compares: Non-Finnish European, 0.00017%; no homozygotes.

Submissions (3):

Labcorp Genetics (formerly Invitae), Labcorp
Classification: Uncertain significance for Tumor predisposition syndrome 3. Last evaluated: 2025-09-24. Review status: criteria provided, single submitter. Criteria: Invitae Variant Classification Sherloc (09022015). Collection method: clinical testing. Allele origin: germline.
Comment: This sequence change replaces glycine, which is neutral and non-polar, with alanine, which is neutral and non-polar, at codon 108 of the POT1 protein (p.Gly108Ala). This variant is not present in population databases (gnomAD no frequency). This variant has not been reported in the literature in individuals affected with POT1-related conditions. ClinVar contains an entry for this variant (Variation ID: 571498). Invitae Evidence Modeling of protein sequence and biophysical properties (such as structural, functional, and spatial information, amino acid conservation, physicochemical variation, residue mobility, and thermodynamic stability) has been performed for this missense variant. However, the output from this modeling did not meet the statistical confidence thresholds required to predict the impact of this variant on POT1 protein function. In summary, the available evidence is currently insufficient to determine the role of this variant in disease. Therefore, it has been classified as a Variant of Uncertain Significance.

GeneDx
Classification: Uncertain significance. Last evaluated: 2025-03-31. Review status: criteria provided, single submitter. Criteria: GeneDx Variant Classification Process June 2021. Collection method: clinical testing. Allele origin: germline. Affected: yes.
Comment: Not observed at significant frequency in large population cohorts (gnomAD); In silico analysis supports that this missense variant has a deleterious effect on protein structure/function; Has not been previously published as pathogenic or benign to our knowledge; This variant is associated with the following publications: (PMID: 28393830)

Ambry Genetics
Classification: Uncertain significance for Hereditary cancer-predisposing syndrome. Last evaluated: 2024-04-04. Review status: criteria provided, single submitter. Criteria: Ambry Variant Classification Scheme 2023. Collection method: clinical testing. Allele origin: germline.
Comment: The p.G108A variant (also known as c.323G>C), located in coding exon 4 of the POT1 gene, results from a G to C substitution at nucleotide position 323. The glycine at codon 108 is replaced by alanine, an amino acid with similar properties. This amino acid position is highly conserved in available vertebrate species. In addition, this alteration is predicted to be deleterious by in silico analysis. Since supporting evidence is limited at this time, the clinical significance of this alteration remains unclear.